The following is an entry in ClinVar:

ClinVar aggregate classification (germline): Uncertain significance. Review status: criteria provided, multiple submitters, no conflicts (2 of 4 stars). 2 submissions from 2 submitters: Uncertain significance (2). Last evaluated 2023-10-27.

Conditions:
Hereditary cancer-predisposing syndrome. Also called: Hereditary Cancer Syndrome; Hereditary neoplastic syndrome; Neoplastic Syndromes, Hereditary; Tumor predisposition. Identifiers: Orphanet 140162, MedGen C0027672, MeSH D009386, MONDO:0015356.
Tuberous sclerosis 1 (TSC1). Identifiers: Orphanet 805, MedGen C1854465, MONDO:0008612, OMIM 191100.

Submissions (2):

Labcorp Genetics (formerly Invitae), Labcorp
Classification: Uncertain significance for Tuberous sclerosis 1. Last evaluated: 2023-10-27. Review status: criteria provided, single submitter. Criteria: Invitae Variant Classification Sherloc (09022015). Collection method: clinical testing. Allele origin: germline.
Comment: This sequence change falls in intron 22 of the TSC1 gene. It does not directly change the encoded amino acid sequence of the TSC1 protein. It affects a nucleotide within the consensus splice site. This variant is not present in population databases (gnomAD no frequency). This variant has not been reported in the literature in individuals affected with TSC1-related conditions. Variants that disrupt the consensus splice site are a relatively common cause of aberrant splicing (PMID: 17576681, 9536098). Algorithms developed to predict the effect of sequence changes on RNA splicing suggest that this variant may disrupt the consensus splice site. In summary, the available evidence is currently insufficient to determine the role of this variant in disease. Therefore, it has been classified as a Variant of Uncertain Significance.

Ambry Genetics
Classification: Uncertain significance for Hereditary cancer-predisposing syndrome. Last evaluated: 2023-10-06. Review status: criteria provided, single submitter. Criteria: Ambry Variant Classification Scheme 2023. Collection method: clinical testing. Allele origin: germline.
Comment: The c.2975+5G>T intronic variant results from a G to T substitution 5 nucleotides after coding exon 20 in the TSC1 gene. This nucleotide position is highly conserved in available vertebrate species. In silico splice site analysis predicts that this alteration may weaken the native splice donor site. RNA studies have demonstrated that this alteration results in a transcript predicted to lead to a protein with an in-frame deletion of 54 amino acids; however, the exact functional impact of the deleted amino acids is unknown at this time (Ambry internal data). Since supporting evidence is limited at this time, the clinical significance of this alteration remains unclear.

Literature cited by the submitters: PubMed 17576681 (cited by Labcorp Genetics (formerly Invitae), Labcorp); PubMed 9536098 (cited by Labcorp Genetics (formerly Invitae), Labcorp).

NM_000368.5(TSC1):c.2975+5G>T

Gene: TSC1 (TSC complex subunit 1; minus strand). Cytogenetic location: 9q34.13.
Variant type: single nucleotide variant.
Coding change: c.2975+5G>T on transcript NM_000368.5 (MANE Select); 5 bases into the intron after coding-DNA position 2975, G replaced by T.
Molecular consequence: intron variant.
Genome position (GRCh38, 1-based): chr9:132,897,179, C>A on the plus strand (G>T on the coding strand, the complement: TSC1 is on the minus strand). VCF-style: chr9-132897179-C-A. GRCh37 (hg19) VCF-style: chr9-135772566-C-A.
Other names: c.2609+5G>T (NM_001406620.1, NM_001406621.1, NM_001406622.1 and 1 more transcripts); c.2612+5G>T (NM_001406618.1, NM_001406617.1, NM_001406619.1 and 4 more transcripts); c.2567+5G>T (NM_001406625.1); c.2777+5G>T (NM_001406613.1); c.2819+5G>T (NM_001406612.1, NM_001406611.1); c.2822+5G>T (NM_001406610.1, NM_001162427.2); c.2021+5G>T (NM_001406627.1, NM_001406628.1); c.1922+5G>T (NM_001406629.1, NM_001406630.1); and 8 more.
Identifiers: ClinVar variation 2846753 (VCV002846753.4), dbSNP rs2538472657, ClinGen allele CA2739265159.
Genomic context (GRCh38, chr9:132,897,179, plus strand): 5'-ACACAGTCCTTATGCTGGAATTGGCAGCTTAGTCCCAAGGTCATGAATCAGTTCTTTGTT[C>A]CTACCTTTCTTCTGCTGCTTCAGCTGCTTCTGCTTTTTCTTCTTCAAGTTTTTTCAGGAG-3'